The following is an entry in ClinVar:

NM_001457.4(FLNB):c.437T>G (p.Leu146Arg)

Gene: FLNB (filamin B; plus strand). Cytogenetic location: 3p14.3.
Variant type: single nucleotide variant.
Coding change: c.437T>G on transcript NM_001457.4 (MANE Select); coding-DNA position 437, T replaced by G.
Protein change: p.Leu146Arg; replaces leucine 146 with arginine.
Molecular consequence: missense variant.
Genome position (GRCh38, 1-based): chr3:58,077,190, T>G. VCF-style: chr3-58077190-T-G. GRCh37 (hg19) VCF-style: chr3-58062917-T-G.
Other names: c.437T>G, p.Leu146Arg (NM_001164317.2, NM_001164318.2, NM_001164319.2); short protein forms L146R.
Identifiers: ClinVar variation 4538917 (VCV004538917.1).

ClinVar aggregate classification (germline): Uncertain significance (1 of 4 stars; one submission).

Submission:

GeneDx
Classification: Uncertain significance. Last evaluated: 2025-06-17. Review status: criteria provided, single submitter. Criteria: GeneDx Variant Classification Process June 2021. Collection method: clinical testing. Allele origin: germline. Affected: yes.
Comment: Not observed at significant frequency in large population cohorts (gnomAD); In silico analysis supports that this missense variant has a deleterious effect on protein structure/function; Has not been previously published as pathogenic or benign to our knowledge